The following is an entry in ClinVar:

NM_001039141.3(TRIOBP):c.5322+5258_5322+5280del

Gene: TRIOBP (TRIO and F-actin binding protein; plus strand). Cytogenetic location: 22q13.1.
Variant type: Deletion.
Coding change: c.5322+5258_5322+5280del on transcript NM_001039141.3 (MANE Select); bases 5258 to 5280 of the intron after coding-DNA position 5322, 23 bases deleted (CGCGGCGGCGGGCGGCCGAGAGG).
Molecular consequence: intron variant. On other transcripts: frameshift variant (3).
Genome position (GRCh38, 1-based): chr22:37,746,290-37,746,312, CGCGGCGGCGGGCGGCCGAGAGG deleted; deleting any 23 consecutive bases within chr22:37,746,286-37,746,312 gives the same sequence; the c. name uses the placement nearest the transcript's 3' end. VCF-style (leftmost placement, unchanged base first): chr22-37746285-GGAGGCGCGGCGGCGGGCGGCCGA-G. GRCh37 (hg19) VCF-style: chr22-38142292-GGAGGCGCGGCGGCGGGCGGCCGA-G.
Other names: c.53_75del, p.Ala18fs (NM_007032.5, NM_138632.2); c.53_75del23 (NM_007032.5); short protein forms A18fs.
Identifiers: ClinVar variation 4990041 (VCV004990041.1).

ClinVar aggregate classification (germline): Uncertain significance (1 of 4 stars; one submission).

Conditions:
TRIOBP-related disorder. Also called: TRIOBP-related condition.

Submission:

PreventionGenetics, part of Exact Sciences
Classification: Uncertain significance for TRIOBP-related condition. Last evaluated: 2026-03-30. Review status: criteria provided, single submitter. Criteria: ACMG Guidelines, 2015. Collection method: clinical testing. Allele origin: germline.
Comment: The TRIOBP c.53_75del23 variant is predicted to result in a frameshift and premature protein termination (p.Ala18Glyfs*90). To our knowledge, this variant has not been reported in the literature. This variant is reported in 0.17% of alleles in individuals of Latino descent in gnomAD. Although we suspect that this variant may be pathogenic, at this time, the clinical significance of this variant is uncertain due to the absence of conclusive functional and genetic evidence.